The following is an entry in ClinVar:

ClinVar aggregate classification (germline): Benign. Review status: criteria provided, multiple submitters, no conflicts (2 of 4 stars). 3 submissions from 3 submitters: Benign (2). 1 of the submissions does not count toward it. Last evaluated 2021-06-10.

Conditions:
PTPN14-related disorder. Also called: PTPN14-related condition.

Allele frequency attached by ClinVar (database versions not stated): 1000 Genomes Project 0.00998; 1000 Genomes Project 30x 0.00999; TOPMed 0.01899; gnomAD 0.02344 and 0.02402; gnomAD exomes 0.02355 and 0.02962; ExAC 0.02374; ESP Exome Variant Server 0.02445.
gnomAD v4.1: 46,687 of 1,613,848 alleles (2.9%); highest among the groups gnomAD compares: Non-Finnish European, 3.3%; 851 homozygotes.

Submissions (3):

GeneDx
Classification: Benign. Last evaluated: 2021-06-10. Review status: criteria provided, single submitter. Criteria: GeneDx Variant Classification Process June 2021. Collection method: clinical testing. Allele origin: germline. Affected: yes.

Breakthrough Genomics
Classification: Benign. Review status: criteria provided, single submitter. Criteria: ACMG Guidelines, 2015. Collection method: not provided. Allele origin: germline. Inheritance: Autosomal recessive inheritance. Affected: yes.

PreventionGenetics, part of Exact Sciences
Classification: Benign for PTPN14-related condition. Last evaluated: 2019-05-10. Review status: no assertion criteria provided. Collection method: clinical testing. Allele origin: germline. Not counted in ClinVar's aggregate classification.
Comment: This variant is classified as benign based on ACMG/AMP sequence variant interpretation guidelines (Richards et al. 2015 PMID: 25741868, with internal and published modifications).

NM_005401.5(PTPN14):c.566A>G (p.Glu189Gly)

Gene: PTPN14 (protein tyrosine phosphatase non-receptor type 14; minus strand). Cytogenetic location: 1q41.
Variant type: single nucleotide variant.
Coding change: c.566A>G on transcript NM_005401.5 (MANE Select); coding-DNA position 566, A replaced by G.
Protein change: p.Glu189Gly; replaces glutamic acid 189 with glycine.
Molecular consequence: missense variant.
Genome position (GRCh38, 1-based): chr1:214,402,898, T>C on the plus strand (A>G on the coding strand, the complement: PTPN14 is on the minus strand). VCF-style: chr1-214402898-T-C. GRCh37 (hg19) VCF-style: chr1-214576241-T-C.
Other names: short protein forms E189G.
Identifiers: ClinVar variation 1295138 (VCV001295138.5), dbSNP rs55801232, ClinGen allele CA1389406.
Genomic context (GRCh38, chr1:214,402,898, plus strand): 5'-AAACATCTGTTGTGCAGGCAGCCCCTTACCCTCTGCCTGCCTTACCTGTGGGCTTTGTGT[T>C]CTTGGGCTACCTTCTGGGTCAGCTCCTCCAGAACAGCCTCTTCCAGGGCCAAATCCTATA-3'
Protein context (NP_005392.2, residues 179-199): LEELTQKVAQ[Glu189Gly]HKAHSGILPA